The following is an entry in ClinVar:

ClinVar aggregate classification (germline): Uncertain significance (1 of 4 stars; one submission).

gnomAD v4.1: 1 of 1,614,202 alleles (0.000062%); highest among the groups gnomAD compares: South Asian, 0.0011%; no homozygotes.

Submission:

Labcorp Genetics (formerly Invitae), Labcorp
Classification: Uncertain significance. Last evaluated: 2024-10-04. Review status: criteria provided, single submitter. Criteria: Invitae Variant Classification Sherloc (09022015). Collection method: clinical testing. Allele origin: germline.
Comment: This sequence change replaces leucine, which is neutral and non-polar, with proline, which is neutral and non-polar, at codon 751 of the MYLK3 protein (p.Leu751Pro). This variant is present in population databases (rs747537621, gnomAD 0.003%). This variant has not been reported in the literature in individuals affected with MYLK3-related conditions. An algorithm developed to predict the effect of missense changes on protein structure and function (PolyPhen-2) suggests that this variant is likely to be disruptive. In summary, the available evidence is currently insufficient to determine the role of this variant in disease. Therefore, it has been classified as a Variant of Uncertain Significance.

NM_182493.3(MYLK3):c.2252T>C (p.Leu751Pro)

Gene: MYLK3 (myosin light chain kinase 3; minus strand). Cytogenetic location: 16q11.2.
Variant type: single nucleotide variant.
Coding change: c.2252T>C on transcript NM_182493.3 (MANE Select); coding-DNA position 2252, T replaced by C.
Protein change: p.Leu751Pro; replaces leucine 751 with proline.
Molecular consequence: missense variant.
Genome position (GRCh38, 1-based): chr16:46,710,652, A>G on the plus strand (T>C on the coding strand, the complement: MYLK3 is on the minus strand). VCF-style: chr16-46710652-A-G. GRCh37 (hg19) VCF-style: chr16-46744564-A-G.
Other names: c.1229T>C, p.Leu410Pro (NM_001308301.1); short protein forms L410P, L751P.
Identifiers: ClinVar variation 3670225 (VCV003670225.2).